The following is an entry in ClinVar:

ClinVar aggregate classification (germline): Uncertain significance (1 of 4 stars; one submission).

Allele frequency attached by ClinVar (database versions not stated): gnomAD exomes below 0.00001; TOPMed below 0.00001; gnomAD 0.00001.
gnomAD v4.1: 4 of 1,553,884 alleles (0.00026%); highest among the groups gnomAD compares: Admixed American, 0.0058%; no homozygotes.

Submission:

Labcorp Genetics (formerly Invitae), Labcorp
Classification: Uncertain significance. Last evaluated: 2022-02-10. Review status: criteria provided, single submitter. Criteria: Invitae Variant Classification Sherloc (09022015). Collection method: clinical testing. Allele origin: germline.
Comment: This sequence change replaces alanine, which is neutral and non-polar, with serine, which is neutral and polar, at codon 252 of the TCIRG1 protein (p.Ala252Ser). The frequency data for this variant in the population databases is considered unreliable, as metrics indicate poor data quality at this position in the gnomAD database. This variant has not been reported in the literature in individuals affected with TCIRG1-related conditions. Algorithms developed to predict the effect of missense changes on protein structure and function (SIFT, PolyPhen-2, Align-GVGD) all suggest that this variant is likely to be tolerated. In summary, the available evidence is currently insufficient to determine the role of this variant in disease. Therefore, it has been classified as a Variant of Uncertain Significance.

NM_006019.4(TCIRG1):c.754G>T (p.Ala252Ser)

Gene: TCIRG1 (T cell immune regulator 1, ATPase H+ transporting V0 subunit a3; plus strand). Cytogenetic location: 11q13.2.
Variant type: single nucleotide variant.
Coding change: c.754G>T on transcript NM_006019.4 (MANE Select); coding-DNA position 754, G replaced by T.
Protein change: p.Ala252Ser; replaces alanine 252 with serine.
Molecular consequence: missense variant. On other transcripts: 5 prime UTR variant (1).
Genome position (GRCh38, 1-based): chr11:68,043,854, G>T. VCF-style: chr11-68043854-G-T. GRCh37 (hg19) VCF-style: chr11-67811321-G-T.
Other names: c.106G>T, p.Ala36Ser (NM_006053.4); c.-141G>T (NM_001351059.2); short protein forms A252S, A36S.
Identifiers: ClinVar variation 2179012 (VCV002179012.1), dbSNP rs781773533, ClinGen allele CA381579244.
Genomic context (GRCh38, chr11:68,043,854, plus strand): 5'-GCAGCGCATCCTCCCTCCAGCTTCCACTGCCACGTCTTCCCGTTTCTGCAGCAGGAGGAG[G>T]CCCGCCTCGGGGCCCTGCAGCAGCTGCAACAGCAGAGCCAGGAGCTGCAGGAGGTGGGTG-3'
Protein context (NP_006010.2, residues 242-262): HVFPFLQQEE[Ala252Ser]RLGALQQLQQ